The following is an entry in ClinVar:

ClinVar aggregate classification (germline): Uncertain significance (1 of 4 stars; one submission).

gnomAD v4.1: 1 of 1,565,418 alleles (0.000064%); highest among the groups gnomAD compares: Non-Finnish European, 0.000087%; no homozygotes.

Submission:

Ambry Genetics
Classification: Uncertain significance. Last evaluated: 2024-12-30. Review status: criteria provided, single submitter. Criteria: Ambry Variant Classification Scheme 2023. Collection method: clinical testing. Allele origin: germline.
Comment: The p.H439L variant (also known as c.1316A>T), located in coding exon 13 of the SRP72 gene, results from an A to T substitution at nucleotide position 1316. The histidine at codon 439 is replaced by leucine, an amino acid with similar properties. This amino acid position is conserved. In addition, this alteration is predicted to be tolerated by in silico analysis. Based on the available evidence, the clinical significance of this variant remains unclear.

NM_006947.4(SRP72):c.1316A>T (p.His439Leu)

Gene: SRP72 (signal recognition particle 72; plus strand). Cytogenetic location: 4q12.
Variant type: single nucleotide variant.
Coding change: c.1316A>T on transcript NM_006947.4 (MANE Select); coding-DNA position 1316, A replaced by T.
Protein change: p.His439Leu; replaces histidine 439 with leucine.
Molecular consequence: missense variant. On other transcripts: non-coding transcript variant (1).
Genome position (GRCh38, 1-based): chr4:56,489,479, A>T. VCF-style: chr4-56489479-A-T. GRCh37 (hg19) VCF-style: chr4-57355645-A-T.
Other names: c.1133A>T, p.His378Leu (NM_001267722.2); short protein forms H378L, H439L.
Identifiers: ClinVar variation 3801424 (VCV003801424.1).